The following is an entry in ClinVar:

NM_003886.3(AKAP4):c.1209T>C (p.Phe403=)

Gene: AKAP4 (A-kinase anchoring protein 4; minus strand). Cytogenetic location: Xp11.22.
Variant type: single nucleotide variant.
Coding change: c.1209T>C on transcript NM_003886.3 (MANE Select); coding-DNA position 1209, T replaced by C.
Protein change: p.Phe403=; no amino-acid change (phenylalanine 403 retained).
Molecular consequence: synonymous variant.
Genome position (GRCh38, 1-based): chrX:50,193,504, A>G on the plus strand (T>C on the coding strand, the complement: AKAP4 is on the minus strand). VCF-style: chrX-50193504-A-G. GRCh37 (hg19) VCF-style: chrX-49958155-A-G.
Other names: c.1182T>C, p.Phe394= (NM_139289.2).
Identifiers: ClinVar variation 2660540 (VCV002660540.24), dbSNP rs1469104391, ClinGen allele CA516679420.

ClinVar aggregate classification (germline): Likely benign (1 of 4 stars; one submission).

Allele frequency attached by ClinVar (database versions not stated): gnomAD exomes 0.00001; TOPMed 0.00002.
gnomAD v4.1: 12 of 1,211,886 alleles (0.00099%); highest among the groups gnomAD compares: Middle Eastern, 0.069%; no homozygotes.

Submission:

CeGaT Center for Human Genetics Tuebingen
Classification: Likely benign. Last evaluated: 2022-05-01. Review status: criteria provided, single submitter. Criteria: CeGaT Center For Human Genetics Tuebingen Variant Classification Criteria Version 2. Collection method: clinical testing. Allele origin: germline. Affected: yes. Observed: 1 variant allele.
Comment: AKAP4: BP4, BP7